The following is an entry in ClinVar:

NM_001384474.1(LOXHD1):c.1392C>A (p.Asn464Lys)

Gene: LOXHD1 (lipoxygenase homology PLAT domains 1; minus strand). Cytogenetic location: 18q21.1.
Variant type: single nucleotide variant.
Coding change: c.1392C>A on transcript NM_001384474.1 (MANE Select); coding-DNA position 1392, C replaced by A.
Protein change: p.Asn464Lys; replaces asparagine 464 with lysine.
Molecular consequence: missense variant.
Genome position (GRCh38, 1-based): chr18:46,593,639, G>T on the plus strand (C>A on the coding strand, the complement: LOXHD1 is on the minus strand). VCF-style: chr18-46593639-G-T. GRCh37 (hg19) VCF-style: chr18-44173602-G-T.
Other names: c.1392C>A, p.Asn464Lys (NM_144612.7); short protein forms N464K.
Identifiers: ClinVar variation 4750350 (VCV004750350.1).

ClinVar aggregate classification (germline): Uncertain significance (1 of 4 stars; one submission).

gnomAD v4.1: 7 of 1,552,264 alleles (0.00045%); highest among the groups gnomAD compares: East Asian, 0.0049%; no homozygotes.

Submission:

Labcorp Genetics (formerly Invitae), Labcorp
Classification: Uncertain significance. Last evaluated: 2025-10-13. Review status: criteria provided, single submitter. Criteria: Invitae Variant Classification Sherloc (09022015). Collection method: clinical testing. Allele origin: germline.
Comment: This sequence change replaces asparagine, which is neutral and polar, with lysine, which is basic and polar, at codon 464 of the LOXHD1 protein (p.Asn464Lys). This variant is present in population databases (no rsID available, gnomAD 0.004%). This variant has not been reported in the literature in individuals affected with LOXHD1-related conditions. An algorithm developed to predict the effect of missense changes on protein structure and function (PolyPhen-2) suggests that this variant is likely to be disruptive. In summary, the available evidence is currently insufficient to determine the role of this variant in disease. Therefore, it has been classified as a Variant of Uncertain Significance.